The following is an entry in ClinVar:

ClinVar aggregate classification (germline): Uncertain significance (1 of 4 stars; one submission).

Submission:

Ambry Genetics
Classification: Uncertain significance. Last evaluated: 2025-02-02. Review status: criteria provided, single submitter. Criteria: Ambry Variant Classification Scheme 2023. Collection method: clinical testing. Allele origin: germline.
Comment: The p.V226G variant (also known as c.677T>G), located in coding exon 1 of the EGLN1 gene, results from a T to G substitution at nucleotide position 677. The valine at codon 226 is replaced by glycine, an amino acid with dissimilar properties. This amino acid position is conserved. In addition, the in silico prediction for this alteration is inconclusive. Based on the available evidence, the clinical significance of this variant remains unclear.

NM_022051.3(EGLN1):c.677T>G (p.Val226Gly)

Gene: EGLN1 (egl-9 family hypoxia inducible factor 1; minus strand). Cytogenetic location: 1q42.2.
Variant type: single nucleotide variant.
Coding change: c.677T>G on transcript NM_022051.3 (MANE Select); coding-DNA position 677, T replaced by G.
Protein change: p.Val226Gly; replaces valine 226 with glycine.
Molecular consequence: missense variant.
Genome position (GRCh38, 1-based): chr1:231,421,212, A>C on the plus strand (T>G on the coding strand, the complement: EGLN1 is on the minus strand). VCF-style: chr1-231421212-A-C. GRCh37 (hg19) VCF-style: chr1-231556958-A-C.
Other names: c.677T>G, p.Val226Gly (NM_001377260.1, NM_001377261.1); short protein forms V226G.
Identifiers: ClinVar variation 3843885 (VCV003843885.1).
Genomic context (GRCh38, chr1:231,421,212, plus strand): 5'-TCACTCTTCTGGCTGACCAGCTGCCCGTCCGTGAACTTCCCGGTGTCGTGCAGGGCGCGC[A>C]CCTCGTCGCCGATCTGCTGTCCGGTCTCCTTGCCGAGGAAGTCGTCCACCACACAGATGC-3'
Protein context (NP_071334.1, residues 216-236): KETGQQIGDE[Val226Gly]RALHDTGKFT